The following is an entry in ClinVar:

NM_000548.5(TSC2):c.1258-9T>A

Gene: TSC2 (TSC complex subunit 2; plus strand). Cytogenetic location: 16p13.3.
Variant type: single nucleotide variant.
Coding change: c.1258-9T>A on transcript NM_000548.5 (MANE Select); 9 bases into the intron before coding-DNA position 1258, T replaced by A.
Molecular consequence: intron variant.
Genome position (GRCh38, 1-based): chr16:2,062,488, T>A. VCF-style: chr16-2062488-T-A. GRCh37 (hg19) VCF-style: chr16-2112489-T-A.
Other names: c.-87-9T>A (NM_001406693.1, NM_001406689.1, NM_001406690.1 and 4 more transcripts); c.1348-9T>A (NM_001406667.1, NM_001406668.1); c.658-9T>A (NM_001406680.1, NM_001406683.1, NM_001406687.1 and 6 more transcripts); c.-263-9T>A (NM_001406698.1); c.1258-9T>A (NM_001114382.3, NM_001406663.1, NM_001406664.1 and 6 more transcripts); c.-55-41T>A (NM_001406694.1, NM_001406695.1); c.1246-9T>A (NM_001406671.1, NM_001406673.1); c.796-9T>A (NM_001406681.1); and 4 more.
Identifiers: ClinVar variation 4687324 (VCV004687324.1).

ClinVar aggregate classification (germline): Likely benign (1 of 4 stars; one submission).

Submission:

Women's Health and Genetics/Laboratory Corporation of America, LabCorp
Classification: Likely benign. Last evaluated: 2025-10-14. Review status: criteria provided, single submitter. Criteria: LabCorp Variant Classification Summary - May 2015. Collection method: clinical testing. Allele origin: germline.
Comment: Variant summary: TSC2 c.1258-9T>A alters a non-conserved nucleotide located at a position not widely known to affect splicing. Consensus agreement among computation tools predict no significant impact on normal splicing. However, these predictions have yet to be confirmed by functional studies. The variant was absent in 238404 control chromosomes. The available data on variant occurrences in the general population are insufficient to allow any conclusion about variant significance. To our knowledge, no occurrence of c.1258-9T>A in individuals affected with TSC2-related conditions and no experimental evidence demonstrating its impact on protein function have been reported. No submitters have cited clinical-significance assessments for this variant to ClinVar. Based on the evidence outlined above, the variant was classified as likely benign.